The following is an entry in ClinVar:

NM_015386.3(COG4):c.1647+9C>G

Gene: COG4 (component of oligomeric golgi complex 4; minus strand). Cytogenetic location: 16q22.1.
Variant type: single nucleotide variant.
Coding change: c.1647+9C>G on transcript NM_015386.3 (MANE Select); 9 bases into the intron after coding-DNA position 1647, C replaced by G.
Molecular consequence: intron variant.
Genome position (GRCh38, 1-based): chr16:70,496,257, G>C on the plus strand (C>G on the coding strand, the complement: COG4 is on the minus strand). VCF-style: chr16-70496257-G-C. GRCh37 (hg19) VCF-style: chr16-70530160-G-C.
Other names: c.1635+9C>G (NM_001195139.2); c.1221+9C>G (NM_001365426.1).
Identifiers: ClinVar variation 3353451 (VCV003353451.1).
Genomic context (GRCh38, chr16:70,496,257, plus strand): 5'-GTGGCTTAGCAGTGATAGCGTAACCTCTCGAGATAAACCAACCCAGCTCGTGAGCTGTGG[G>C]GTACCTACCAGGAAGGACATCTTCGCCTCGTCAGTACTCTCGATGCCTTTTGTGTCAAAT-3'

ClinVar aggregate classification (germline): Uncertain significance (0 of 4 stars; one submission).

Conditions:
COG4-related disorder. Also called: COG4-related condition.

gnomAD v4.1: 3 of 1,614,086 alleles (0.00019%); highest among the groups gnomAD compares: Non-Finnish European, 0.000085%; no homozygotes.

Submission:

PreventionGenetics, part of Exact Sciences
Classification: Uncertain significance for COG4-related condition. Last evaluated: 2024-08-07. Review status: no assertion criteria provided. Collection method: clinical testing. Allele origin: germline.
Comment: The COG4 c.1647+9C>G variant is predicted to interfere with splicing. To our knowledge, this variant has not been reported in the literature or in a large population database, indicating this variant is rare. At this time, the clinical significance of this variant is uncertain due to the absence of conclusive functional and genetic evidence.